The following is an entry in ClinVar:

ClinVar aggregate classification (germline): Uncertain significance (1 of 4 stars; one submission).

Allele frequency attached by ClinVar (database versions not stated): gnomAD exomes 0.00001.
gnomAD v4.1: 3 of 1,609,842 alleles (0.00019%); highest among the groups gnomAD compares: Admixed American, 0.0033%; no homozygotes.

Submission:

Labcorp Genetics (formerly Invitae), Labcorp
Classification: Uncertain significance. Last evaluated: 2023-06-13. Review status: criteria provided, single submitter. Criteria: Invitae Variant Classification Sherloc (09022015). Collection method: clinical testing. Allele origin: germline.
Comment: In summary, the available evidence is currently insufficient to determine the role of this variant in disease. Therefore, it has been classified as a Variant of Uncertain Significance. Algorithms developed to predict the effect of missense changes on protein structure and function output the following: SIFT: "Not Available"; PolyPhen-2: "Benign"; Align-GVGD: "Not Available". The glycine amino acid residue is found in multiple mammalian species, which suggests that this missense change does not adversely affect protein function. ClinVar contains an entry for this variant (Variation ID: 1952512). This variant has not been reported in the literature in individuals affected with MPDZ-related conditions. The frequency data for this variant in the population databases is considered unreliable, as metrics indicate poor data quality at this position in the gnomAD database. This sequence change replaces serine, which is neutral and polar, with glycine, which is neutral and non-polar, at codon 645 of the MPDZ protein (p.Ser645Gly).

NM_001378778.1(MPDZ):c.1933A>G (p.Ser645Gly)

Gene: MPDZ (multiple PDZ domain crumbs cell polarity complex component; minus strand). Cytogenetic location: 9p23.
Variant type: single nucleotide variant.
Coding change: c.1933A>G on transcript NM_001378778.1 (MANE Select); coding-DNA position 1933, A replaced by G.
Protein change: p.Ser645Gly; replaces serine 645 with glycine.
Molecular consequence: missense variant.
Genome position (GRCh38, 1-based): chr9:13,192,166, T>C on the plus strand (A>G on the coding strand, the complement: MPDZ is on the minus strand). VCF-style: chr9-13192166-T-C. GRCh37 (hg19) VCF-style: chr9-13192165-T-C.
Other names: c.1933A>G, p.Ser645Gly (NM_001261406.2, NM_001261407.2, NM_001330637.2 and 14 more transcripts); short protein forms S645G.
Identifiers: ClinVar variation 1952512 (VCV001952512.3), dbSNP rs1220556933, ClinGen allele CA372939185.